The following is an entry in ClinVar:

ClinVar aggregate classification (germline): Uncertain significance (1 of 4 stars; one submission).

Conditions:
Long QT syndrome (LQTS). Identifiers: MedGen C0023976, MeSH D008133, MONDO:0002442. Disease mechanism: loss of function. Inheritance: Various modes of inheritance.

Submission:

Labcorp Genetics (formerly Invitae), Labcorp
Classification: Uncertain significance for Long QT syndrome. Last evaluated: 2024-06-11. Review status: criteria provided, single submitter. Criteria: Invitae Variant Classification Sherloc (09022015). Collection method: clinical testing. Allele origin: germline.
Comment: This sequence change replaces glutamic acid, which is acidic and polar, with glycine, which is neutral and non-polar, at codon 4 of the CAV3 protein (p.Glu4Gly). This variant is not present in population databases (gnomAD no frequency). This variant has not been reported in the literature in individuals affected with CAV3-related conditions. An algorithm developed to predict the effect of missense changes on protein structure and function (PolyPhen-2) suggests that this variant is likely to be tolerated. In summary, the available evidence is currently insufficient to determine the role of this variant in disease. Therefore, it has been classified as a Variant of Uncertain Significance.

NM_033337.3(CAV3):c.11A>G (p.Glu4Gly)

Gene: CAV3 (caveolin 3; plus strand). Cytogenetic location: 3p25.3.
Variant type: single nucleotide variant.
Coding change: c.11A>G on transcript NM_033337.3 (MANE Select); coding-DNA position 11, A replaced by G.
Protein change: p.Glu4Gly; replaces glutamic acid 4 with glycine.
Molecular consequence: missense variant.
Genome position (GRCh38, 1-based): chr3:8,733,887, A>G. VCF-style: chr3-8733887-A-G. GRCh37 (hg19) VCF-style: chr3-8775573-A-G.
Other names: c.11A>G, p.Glu4Gly (NM_001234.5); short protein forms E4G.
Identifiers: ClinVar variation 3711551 (VCV003711551.2).